The following is an entry in ClinVar:

ClinVar aggregate classification (germline): Benign. Review status: criteria provided, multiple submitters, no conflicts (2 of 4 stars). 2 submissions from 2 submitters: Benign (2). Last evaluated 2018-01-13.

Conditions:
Neuropathy, hereditary sensory and autonomic, type 1C. Also called: HSAN IC; HSN IC. Identifiers: Orphanet 36386, MedGen C3150896, MONDO:0013337, OMIM 613640.

Allele frequency attached by ClinVar (database versions not stated): 1000 Genomes Project 0.10623; 1000 Genomes Project 30x 0.10931; TOPMed 0.12218.

Submissions (2):

Illumina Laboratory Services, Illumina
Classification: Benign for Neuropathy, hereditary sensory and autonomic, type 1C. Last evaluated: 2018-01-13. Review status: criteria provided, single submitter. Criteria: ICSL Variant Classification Criteria 13 December 2019. Collection method: clinical testing. Allele origin: germline.
Comment: This variant was observed in the ICSL laboratory as part of a predisposition screen in an ostensibly healthy population. It had not been previously curated by ICSL or reported in the Human Gene Mutation Database (HGMD: prior to June 1st, 2018), and was therefore a candidate for classification through an automated scoring system. Utilizing variant allele frequency, disease prevalence and penetrance estimates, and inheritance mode, an automated score was calculated to assess if this variant is too frequent to cause the disease. Based on the score and internal cut-off values, a variant classified as benign is not then subjected to further curation. The score for this variant resulted in a classification of benign for this disease.

Breakthrough Genomics
Classification: Benign. Review status: criteria provided, single submitter. Criteria: ACMG Guidelines, 2015. Collection method: not provided. Allele origin: germline. Inheritance: Autosomal dominant inheritance. Affected: yes.

NM_004863.4(SPTLC2):c.*1655G>C

Gene: SPTLC2 (serine palmitoyltransferase long chain base subunit 2; minus strand). Cytogenetic location: 14q24.3.
Variant type: single nucleotide variant.
Coding change: c.*1655G>C on transcript NM_004863.4 (MANE Select); 1655 bases downstream of the stop codon, G replaced by C.
Molecular consequence: 3 prime UTR variant.
Genome position (GRCh38, 1-based): chr14:77,510,629, C>G on the plus strand (G>C on the coding strand, the complement: SPTLC2 is on the minus strand). VCF-style: chr14-77510629-C-G. GRCh37 (hg19) VCF-style: chr14-77976972-C-G.
Identifiers: ClinVar variation 314638 (VCV000314638.6), dbSNP rs45480297, ClinGen allele CA10645090.